The following is an entry in ClinVar:

ClinVar aggregate classification (germline): Likely benign (1 of 4 stars; one submission).

Allele frequency attached by ClinVar (database versions not stated): 1000 Genomes Project 30x 0.00281; 1000 Genomes Project 0.00300; TOPMed 0.00461; ESP Exome Variant Server 0.00593; gnomAD 0.00604; ExAC 0.00746; gnomAD exomes 0.00919.
gnomAD v4.1: 14,194 of 1,613,922 alleles (0.88%); highest among the groups gnomAD compares: Non-Finnish European, 1%; 63 homozygotes.

Submission:

CeGaT Center for Human Genetics Tuebingen
Classification: Likely benign. Last evaluated: 2023-03-01. Review status: criteria provided, single submitter. Criteria: CeGaT Center For Human Genetics Tuebingen Variant Classification Criteria Version 2. Collection method: clinical testing. Allele origin: germline. Affected: yes. Observed: 1 variant allele.
Comment: ARHGEF17: BP4, BP7, BS2

NM_014786.4(ARHGEF17):c.6150T>C (p.Gly2050=)

Gene: ARHGEF17 (Rho guanine nucleotide exchange factor 17; plus strand). Cytogenetic location: 11q13.4.
Variant type: single nucleotide variant.
Coding change: c.6150T>C on transcript NM_014786.4 (MANE Select); coding-DNA position 6150, T replaced by C.
Protein change: p.Gly2050=; no amino-acid change (glycine 2050 retained).
Molecular consequence: synonymous variant.
Genome position (GRCh38, 1-based): chr11:73,367,738, T>C. VCF-style: chr11-73367738-T-C. GRCh37 (hg19) VCF-style: chr11-73078783-T-C.
Identifiers: ClinVar variation 2642140 (VCV002642140.24), dbSNP rs148223159, ClinGen allele CA6178377.